The following is an entry in ClinVar:

ClinVar aggregate classification (germline): Uncertain significance (1 of 4 stars; one submission).

Submission:

GeneDx
Classification: Uncertain significance. Last evaluated: 2024-02-16. Review status: criteria provided, single submitter. Criteria: GeneDx Variant Classification Process June 2021. Collection method: clinical testing. Allele origin: germline. Affected: yes.
Comment: Not observed at significant frequency in large population cohorts (gnomAD); In silico analysis supports that this missense variant does not alter protein structure/function; Has not been previously published as pathogenic or benign to our knowledge

NM_001042424.3(NSD2):c.173A>C (p.Gln58Pro)

Gene: NSD2 (nuclear receptor binding SET domain protein 2; plus strand). Cytogenetic location: 4p16.3.
Variant type: single nucleotide variant.
Coding change: c.173A>C on transcript NM_001042424.3 (MANE Select); coding-DNA position 173, A replaced by C.
Protein change: p.Gln58Pro; replaces glutamine 58 with proline.
Molecular consequence: missense variant.
Genome position (GRCh38, 1-based): chr4:1,900,827, A>C. VCF-style: chr4-1900827-A-C. GRCh37 (hg19) VCF-style: chr4-1902554-A-C.
Other names: c.173A>C, p.Gln58Pro (NM_007331.2, NM_133330.3, NM_133331.3 and 2 more transcripts); short protein forms Q58P.
Identifiers: ClinVar variation 3369072 (VCV003369072.1).